The following is an entry in ClinVar:

ClinVar aggregate classification (germline): Pathogenic/Likely pathogenic. Review status: criteria provided, multiple submitters, no conflicts (2 of 4 stars). 2 submissions from 2 submitters: Pathogenic (1); Likely pathogenic (1). Last evaluated 2025-05-30.

Conditions:
Ichthyosis linearis circumflexa. Identifiers: MedGen C0265962, MONDO:0043106, HP:0025810.
Netherton syndrome (NETH). Also called: COMEL-NETHERTON SYNDROME; NETHERTON DISEASE; ERYTHRODERMA, ICHTHYOSIFORM, WITH HYPOTRICHOSIS AND HYPER-IgE. Identifiers: Orphanet 634, MedGen C5574950, MONDO:0009735, OMIM 256500.

Allele frequency attached by ClinVar (database versions not stated): gnomAD exomes 0.00001 and 0.00004; ExAC 0.00002; gnomAD 0.00002; TOPMed 0.00003.
gnomAD v4.1: 18 of 1,613,976 alleles (0.0011%); highest among the groups gnomAD compares: Admixed American, 0.02%; no homozygotes.

Submissions (2):

Labcorp Genetics (formerly Invitae), Labcorp
Classification: Pathogenic for Ichthyosis linearis circumflexa. Last evaluated: 2025-05-30. Review status: criteria provided, single submitter. Criteria: Invitae Variant Classification Sherloc (09022015). Collection method: clinical testing. Allele origin: germline.
Comment: This sequence change creates a premature translational stop signal (p.Arg920*) in the SPINK5 gene. It is expected to result in an absent or disrupted protein product. Loss-of-function variants in SPINK5 are known to be pathogenic (PMID: 11511292, 11841556). This variant is present in population databases (rs776293648, gnomAD 0.03%). This variant has not been reported in the literature in individuals affected with SPINK5-related conditions. ClinVar contains an entry for this variant (Variation ID: 1350963). Algorithms developed to predict the effect of sequence changes on RNA splicing suggest that this variant may disrupt the consensus splice site. For these reasons, this variant has been classified as Pathogenic.

Fulgent Genetics
Classification: Likely pathogenic for Netherton syndrome. Last evaluated: 2024-02-26. Review status: criteria provided, single submitter. Criteria: ACMG Guidelines, 2015. Collection method: clinical testing. Allele origin: germline.

Literature cited by the submitters: PubMed 11511292 (cited by Labcorp Genetics (formerly Invitae), Labcorp); PubMed 11841556 (cited by Labcorp Genetics (formerly Invitae), Labcorp).

NM_006846.4(SPINK5):c.2758C>T (p.Arg920Ter)

Gene: SPINK5 (serine peptidase inhibitor Kazal type 5; plus strand). Cytogenetic location: 5q32.
Variant type: single nucleotide variant.
Coding change: c.2758C>T on transcript NM_006846.4 (MANE Select); coding-DNA position 2758, C replaced by T.
Protein change: p.Arg920Ter; replaces arginine 920 with a stop codon.
Molecular consequence: nonsense.
Genome position (GRCh38, 1-based): chr5:148,125,741, C>T. VCF-style: chr5-148125741-C-T. GRCh37 (hg19) VCF-style: chr5-147505304-C-T.
Other names: c.2848C>T, p.Arg950Ter (NM_001127698.2); short protein forms R920*, R950*.
Identifiers: ClinVar variation 1350963 (VCV001350963.7), dbSNP rs776293648, ClinGen allele CA3496136.